The following is an entry in ClinVar:

NM_004937.3(CTNS):c.562-1G>A

Genes: CTNS (cystinosin, lysosomal cystine transporter; plus strand), CTNS-AS1 (CTNS antisense RNA 1; minus strand). Cytogenetic location: 17p13.2.
Variant type: single nucleotide variant.
Coding change: c.562-1G>A on transcript NM_004937.3 (MANE Select); the canonical splice acceptor site of the intron before coding-DNA position 562, G replaced by A.
Molecular consequence: splice acceptor variant.
Genome position (GRCh38, 1-based): chr17:3,656,675, G>A. VCF-style: chr17-3656675-G-A. GRCh37 (hg19) VCF-style: chr17-3559969-G-A.
Other names: c.562-1G>A (NM_001031681.3, NM_001374492.1); c.121-1G>A (NM_001374493.1, NM_001374495.1, NM_001374494.1 and 1 more transcripts).
Identifiers: ClinVar variation 4815399 (VCV004815399.1).

ClinVar aggregate classification (germline): Likely pathogenic (1 of 4 stars; one submission).

Conditions:
Cystinosis. Also called: Cystine diathesis; Cystine storage disease; Cystinoses. Identifiers: Orphanet 213, MedGen C4316899, MONDO:0016239.

Submission:

Natera, Inc.
Classification: Likely pathogenic for Cystinosis. Last evaluated: 2024-06-17. Review status: criteria provided, single submitter. Criteria: Natera Variant Classification Schema (03/2026). Collection method: clinical testing. Allele origin: germline.
Comment: The c.562-1G>A variant in CTNS is a canonical splice acceptor site variant predicted to affect pre-mRNA splicing, which may result in an abnormal transcript and altered protein product. This variant is expected to result in nonsense mediated decay, truncation, or a dysfunctional protein product. This variant is rare in the general population with a frequency below the threshold expected for the associated phenotype(s). Given the available evidence, this variant is classified as Likely Pathogenic.